The following is an entry in ClinVar:

ClinVar aggregate classification (germline): Uncertain significance (1 of 4 stars; one submission).

Allele frequency attached by ClinVar (database versions not stated): TOPMed 0.00001; ExAC 0.00002; gnomAD 0.00002.
gnomAD v4.1: 37 of 1,613,580 alleles (0.0023%); highest among the groups gnomAD compares: East Asian, 0.011%; no homozygotes.

Submission:

Labcorp Genetics (formerly Invitae), Labcorp
Classification: Uncertain significance. Last evaluated: 2021-12-15. Review status: criteria provided, single submitter. Criteria: Invitae Variant Classification Sherloc (09022015). Collection method: clinical testing. Allele origin: germline.
Comment: This sequence change replaces arginine, which is basic and polar, with glutamine, which is neutral and polar, at codon 349 of the CNGB1 protein (p.Arg349Gln). This variant is present in population databases (rs200052038, gnomAD 0.006%). This variant has not been reported in the literature in individuals affected with CNGB1-related conditions. Advanced modeling of protein sequence and biophysical properties (such as structural, functional, and spatial information, amino acid conservation, physicochemical variation, residue mobility, and thermodynamic stability) performed at Invitae indicates that this missense variant is not expected to disrupt CNGB1 protein function. In summary, the available evidence is currently insufficient to determine the role of this variant in disease. Therefore, it has been classified as a Variant of Uncertain Significance.

NM_001297.5(CNGB1):c.1046G>A (p.Arg349Gln)

Gene: CNGB1 (cyclic nucleotide gated channel subunit beta 1; minus strand). Cytogenetic location: 16q21.
Variant type: single nucleotide variant.
Coding change: c.1046G>A on transcript NM_001297.5 (MANE Select); coding-DNA position 1046, G replaced by A.
Protein change: p.Arg349Gln; replaces arginine 349 with glutamine.
Molecular consequence: missense variant.
Genome position (GRCh38, 1-based): chr16:57,949,428, C>T on the plus strand (G>A on the coding strand, the complement: CNGB1 is on the minus strand). VCF-style: chr16-57949428-C-T. GRCh37 (hg19) VCF-style: chr16-57983332-C-T.
Other names: c.1028G>A, p.Arg343Gln (NM_001286130.2); short protein forms R349Q, R343Q.
Identifiers: ClinVar variation 1981645 (VCV001981645.1), dbSNP rs200052038, ClinGen allele CA8083576.